The following is an entry in ClinVar:

NM_152296.5(ATP1A3):c.1468G>A (p.Asp490Asn)

Gene: ATP1A3 (ATPase Na+/K+ transporting subunit alpha 3; minus strand). Cytogenetic location: 19q13.2.
Variant type: single nucleotide variant.
Coding change: c.1468G>A on transcript NM_152296.5 (MANE Select); coding-DNA position 1468, G replaced by A.
Protein change: p.Asp490Asn; replaces aspartic acid 490 with asparagine.
Molecular consequence: missense variant.
Genome position (GRCh38, 1-based): chr19:41,978,768, C>T on the plus strand (G>A on the coding strand, the complement: ATP1A3 is on the minus strand). VCF-style: chr19-41978768-C-T. GRCh37 (hg19) VCF-style: chr19-42482920-C-T.
Other names: c.1501G>A, p.Asp501Asn (NM_001256213.2); c.1507G>A, p.Asp503Asn (NM_001256214.2); short protein forms D501N, D490N, D503N.
Identifiers: ClinVar variation 2745246 (VCV002745246.3), dbSNP rs781976199, ClinGen allele CA9467623.

ClinVar aggregate classification (germline): Uncertain significance (1 of 4 stars; one submission).

Conditions:
Dystonia 12 (DYT12). Also called: Rapid-Onset Dystonia-Parkinsonism (RDP); DYT-ATP1A3. Identifiers: Orphanet 71517, MedGen C1868681, MONDO:0007496, OMIM 128235.

Allele frequency attached by ClinVar (database versions not stated): ExAC 0.00001; gnomAD 0.00001; TOPMed 0.00001; gnomAD exomes 0.00002.
gnomAD v4.1: 23 of 1,613,894 alleles (0.0014%); highest among the groups gnomAD compares: South Asian, 0.0044%; no homozygotes.

Submission:

Labcorp Genetics (formerly Invitae), Labcorp
Classification: Uncertain significance for Dystonia 12. Last evaluated: 2025-12-01. Review status: criteria provided, single submitter. Criteria: Invitae Variant Classification Sherloc (09022015). Collection method: clinical testing. Allele origin: germline.
Comment: This sequence change replaces aspartic acid, which is acidic and polar, with asparagine, which is neutral and polar, at codon 490 of the ATP1A3 protein (p.Asp490Asn). This variant is present in population databases (rs781976199, gnomAD 0.003%). This variant has not been reported in the literature in individuals affected with ATP1A3-related conditions. ClinVar contains an entry for this variant (Variation ID: 2745246). Invitae Evidence Modeling of protein sequence and biophysical properties (such as structural, functional, and spatial information, amino acid conservation, physicochemical variation, residue mobility, and thermodynamic stability) indicates that this missense variant is not expected to disrupt ATP1A3 protein function with a negative predictive value of 95%. In summary, the available evidence is currently insufficient to determine the role of this variant in disease. Therefore, it has been classified as a Variant of Uncertain Significance.